The following is an entry in ClinVar:

ClinVar aggregate classification (germline): Likely benign (1 of 4 stars; one submission).

Submission:

CeGaT Center for Human Genetics Tuebingen
Classification: Likely benign. Last evaluated: 2022-03-01. Review status: criteria provided, single submitter. Criteria: CeGaT Center For Human Genetics Tuebingen Variant Classification Criteria Version 2. Collection method: clinical testing. Allele origin: germline. Affected: yes. Observed: 1 variant allele.
Comment: NBPF20: BP4, BP7

NM_001278267.1(NBPF20):c.-894+2834A>G

Gene: NBPF20 (NBPF member 20; minus strand). Cytogenetic location: 1q21.2.
Variant type: single nucleotide variant.
Coding change: c.-894+2834A>G on transcript NM_001278267.1; 2834 bases into the intron after 894 bases upstream of the start codon, A replaced by G.
Identifiers: ClinVar variation 2639140 (VCV002639140.19), dbSNP rs190657161, ClinGen allele CA1050912.